The following is an entry in ClinVar:

ClinVar aggregate classification (germline): Uncertain significance. Review status: criteria provided, multiple submitters, no conflicts (2 of 4 stars). 4 submissions from 4 submitters: Uncertain significance (4). Last evaluated 2026-02-17.

Conditions:
Charcot-Marie-Tooth disease type 2. Also called: Charcot-Marie-Tooth type 2. Identifiers: Orphanet 64746, MedGen C0270914, MONDO:0018993.

Allele frequency attached by ClinVar (database versions not stated): ExAC 0.00001; gnomAD exomes below 0.00001 and 0.00001; gnomAD 0.00001; TOPMed 0.00001.
gnomAD v4.1: 7 of 1,614,030 alleles (0.00043%); highest among the groups gnomAD compares: African/African-American, 0.0013%; no homozygotes.

Submissions (4):

Women's Health and Genetics/Laboratory Corporation of America, LabCorp
Classification: Uncertain significance. Last evaluated: 2026-02-17. Review status: criteria provided, single submitter. Criteria: LabCorp Variant Classification Summary - May 2015. Collection method: clinical testing. Allele origin: germline.
Comment: Variant summary: MFN2 c.1729A>G (p.Ile577Val) results in a conservative amino acid change in the encoded protein sequence. Algorithms developed to predict the effect of missense changes on protein structure and function are either unavailable or do not agree on the potential impact of this missense change. The variant allele was found at a frequency of 8e-06 in 251396 control chromosomes. The available data on variant occurrences in the general population are insufficient to allow any conclusion about variant significance. To our knowledge, no occurrence of c.1729A>G in individuals affected with MFN2-related conditions and no experimental evidence demonstrating its impact on protein function have been reported. ClinVar contains an entry for this variant (Variation ID: 246602). Based on the evidence outlined above, the variant was classified as uncertain significance.

Labcorp Genetics (formerly Invitae), Labcorp
Classification: Uncertain significance for Charcot-Marie-Tooth disease type 2. Last evaluated: 2025-10-26. Review status: criteria provided, single submitter. Criteria: Invitae Variant Classification Sherloc (09022015). Collection method: clinical testing. Allele origin: germline.
Comment: This sequence change replaces isoleucine, which is neutral and non-polar, with valine, which is neutral and non-polar, at codon 577 of the MFN2 protein (p.Ile577Val). This variant is present in population databases (rs749606728, gnomAD 0.002%). This variant has not been reported in the literature in individuals affected with MFN2-related conditions. ClinVar contains an entry for this variant (Variation ID: 246602). Invitae Evidence Modeling of protein sequence and biophysical properties (such as structural, functional, and spatial information, amino acid conservation, physicochemical variation, residue mobility, and thermodynamic stability) indicates that this missense variant is not expected to disrupt MFN2 protein function with a negative predictive value of 80%. In summary, the available evidence is currently insufficient to determine the role of this variant in disease. Therefore, it has been classified as a Variant of Uncertain Significance.

GeneDx
Classification: Uncertain significance. Last evaluated: 2025-04-09. Review status: criteria provided, single submitter. Criteria: GeneDx Variant Classification Process June 2021. Collection method: clinical testing. Allele origin: germline. Affected: yes.
Comment: Not observed at significant frequency in large population cohorts (gnomAD); In silico analysis indicates that this missense variant does not alter protein structure/function; Has not been previously published as pathogenic or benign to our knowledge

ARUP Laboratories, Molecular Genetics and Genomics, ARUP Laboratories
Classification: Uncertain significance. Last evaluated: 2019-10-09. Review status: criteria provided, single submitter. Criteria: ARUP Molecular Germline Variant Investigation Process. Collection method: clinical testing. Allele origin: germline.
Comment: The MFN2 c.1729A>G; p.Ile577Val variant (rs749606728), to our knowledge, is not reported in the medical literature but is reported in ClinVar (Variation ID: 246602). This variant is found on only two chromosomes (2/113698 alleles) in the Genome Aggregation Database. The isoleucine at codon 577 is weakly conserved, and computational analyses (SIFT, PolyPhen-2) predict that this variant is tolerated. However, due to limited information, the clinical significance of the p.Ile577Val variant is uncertain at this time.

NM_014874.4(MFN2):c.1729A>G (p.Ile577Val)

Gene: MFN2 (mitofusin 2; plus strand). Cytogenetic location: 1p36.22.
Variant type: single nucleotide variant.
Coding change: c.1729A>G on transcript NM_014874.4 (MANE Select); coding-DNA position 1729, A replaced by G.
Protein change: p.Ile577Val; replaces isoleucine 577 with valine.
Molecular consequence: missense variant.
Genome position (GRCh38, 1-based): chr1:12,006,550, A>G. VCF-style: chr1-12006550-A-G. GRCh37 (hg19) VCF-style: chr1-12066607-A-G.
Other names: c.1729A>G, p.Ile577Val (NM_001127660.2); short protein forms I577V.
Identifiers: ClinVar variation 246602 (VCV000246602.20), dbSNP rs749606728, ClinGen allele CA599215.